The following is an entry in ClinVar:

NM_001204.7(BMPR2):c.1918C>G (p.Leu640Val)

Gene: BMPR2 (bone morphogenetic protein receptor type 2; plus strand). Cytogenetic location: 2q33.2.
Variant type: single nucleotide variant.
Coding change: c.1918C>G on transcript NM_001204.7 (MANE Select); coding-DNA position 1918, C replaced by G.
Protein change: p.Leu640Val; replaces leucine 640 with valine.
Molecular consequence: missense variant.
Genome position (GRCh38, 1-based): chr2:202,555,583, C>G. VCF-style: chr2-202555583-C-G. GRCh37 (hg19) VCF-style: chr2-203420306-C-G.
Other names: short protein forms L640V.
Identifiers: ClinVar variation 4214469 (VCV004214469.1).

ClinVar aggregate classification (germline): Uncertain significance (1 of 4 stars; one submission).

Conditions:
Inborn genetic diseases. Identifiers: MedGen C0950123, MeSH D030342.

Submission:

Ambry Genetics
Classification: Uncertain significance for Inborn genetic diseases. Last evaluated: 2025-07-28. Review status: criteria provided, single submitter. Criteria: Ambry Variant Classification Scheme 2023. Collection method: clinical testing. Allele origin: germline.
Comment: The p.L640V variant (also known as c.1918C>G), located in coding exon 12 of the BMPR2 gene, results from a C to G substitution at nucleotide position 1918. The leucine at codon 640 is replaced by valine, an amino acid with highly similar properties. This amino acid position is conserved. In addition, this alteration is predicted to be tolerated by in silico analysis. Based on the available evidence, the clinical significance of this variant remains unclear.